The following is an entry in ClinVar:

NM_020778.5(ALPK3):c.997G>A (p.Glu333Lys)

Gene: ALPK3 (alpha kinase 3; plus strand). Cytogenetic location: 15q25.3.
Variant type: single nucleotide variant.
Coding change: c.997G>A on transcript NM_020778.5 (MANE Select); coding-DNA position 997, G replaced by A.
Protein change: p.Glu333Lys; replaces glutamic acid 333 with lysine.
Molecular consequence: missense variant.
Genome position (GRCh38, 1-based): chr15:84,840,276, G>A. VCF-style: chr15-84840276-G-A. GRCh37 (hg19) VCF-style: chr15-85383507-G-A.
Other names: short protein forms E333K.
Identifiers: ClinVar variation 1776223 (VCV001776223.5), dbSNP rs1476834214, ClinGen allele CA393374036.

ClinVar aggregate classification (germline): Uncertain significance. Review status: criteria provided, multiple submitters, no conflicts (2 of 4 stars). 3 submissions from 3 submitters: Uncertain significance (2). 1 of the submissions does not count toward it. Last evaluated 2026-04-23.

Conditions:
ALPK3-related disorder. Also called: ALPK3-related condition.
Cardiovascular phenotype. Identifiers: MedGen CN230736.

Allele frequency attached by ClinVar (database versions not stated): TOPMed below 0.00001; gnomAD 0.00001.
gnomAD v4.1: 9 of 1,613,786 alleles (0.00056%); highest among the groups gnomAD compares: Admixed American, 0.0017%; no homozygotes.

Submissions (3):

Ambry Genetics
Classification: Uncertain significance for Cardiovascular phenotype. Last evaluated: 2026-04-23. Review status: criteria provided, single submitter. Criteria: Ambry Variant Classification Scheme 2023. Collection method: clinical testing. Allele origin: germline.

Labcorp Genetics (formerly Invitae), Labcorp
Classification: Uncertain significance. Last evaluated: 2025-12-02. Review status: criteria provided, single submitter. Criteria: Invitae Variant Classification Sherloc (09022015). Collection method: clinical testing. Allele origin: germline.
Comment: This sequence change replaces glutamic acid, which is acidic and polar, with lysine, which is basic and polar, at codon 535 of the ALPK3 protein (p.Glu535Lys). This variant is present in population databases (no rsID available, gnomAD 0.007%). This variant has not been reported in the literature in individuals affected with ALPK3-related conditions. ClinVar contains an entry for this variant (Variation ID: 1776223). An algorithm developed to predict the effect of missense changes on protein structure and function (PolyPhen-2) suggests that this variant is likely to be disruptive. In summary, the available evidence is currently insufficient to determine the role of this variant in disease. Therefore, it has been classified as a Variant of Uncertain Significance.

PreventionGenetics, part of Exact Sciences
Classification: Uncertain significance for ALPK3-related condition. Last evaluated: 2024-09-03. Review status: no assertion criteria provided. Collection method: clinical testing. Allele origin: germline. Not counted in ClinVar's aggregate classification.
Comment: The ALPK3 c.1603G>A variant is predicted to result in the amino acid substitution p.Glu535Lys. To our knowledge, this variant has not been reported in the literature. This variant is reported in 0.0065% of alleles in individuals of European (Non-Finnish) descent in gnomAD. At this time, the clinical significance of this variant is uncertain due to the absence of conclusive functional and genetic evidence.